The following is an entry in ClinVar:

ClinVar aggregate classification (germline): Benign (1 of 4 stars; one submission).

Conditions:
Autoimmune lymphoproliferative syndrome type 1. Also called: AUTOIMMUNE LYMPHOPROLIFERATIVE SYNDROME, TYPE I, AUTOSOMAL DOMINANT. Identifiers: Orphanet 3261, MedGen C2717884, MONDO:0011158, OMIM 601859.

Allele frequency attached by ClinVar (database versions not stated): gnomAD 0.00066 and 0.00071; ExAC 0.00010; gnomAD exomes 0.00018 and 0.00011; 1000 Genomes Project 0.00100; 1000 Genomes Project 30x 0.00109; TOPMed 0.00065.
gnomAD v4.1: 138 of 471,344 alleles (0.029%); highest among the groups gnomAD compares: African/African-American, 0.23%; 1 homozygote.

Submission:

Illumina Laboratory Services, Illumina
Classification: Benign for Autoimmune lymphoproliferative syndrome type 1. Last evaluated: 2018-01-13. Review status: criteria provided, single submitter. Criteria: ICSL Variant Classification Criteria 13 December 2019. Collection method: clinical testing. Allele origin: germline.
Comment: This variant was observed in the ICSL laboratory as part of a predisposition screen in an ostensibly healthy population. It had not been previously curated by ICSL or reported in the Human Gene Mutation Database (HGMD: prior to June 1st, 2018), and was therefore a candidate for classification through an automated scoring system. Utilizing variant allele frequency, disease prevalence and penetrance estimates, and inheritance mode, an automated score was calculated to assess if this variant is too frequent to cause the disease. Based on the score and internal cut-off values, a variant classified as benign is not then subjected to further curation. The score for this variant resulted in a classification of benign for this disease.

NM_000043.6(FAS):c.*1333G>T

Gene: FAS (Fas cell surface death receptor; plus strand). Cytogenetic location: 10q23.31.
Variant type: single nucleotide variant.
Coding change: c.*1333G>T on transcript NM_000043.6 (MANE Select); 1333 bases downstream of the stop codon, G replaced by T.
Molecular consequence: 3 prime UTR variant. On other transcripts: non-coding transcript variant (7).
Genome position (GRCh38, 1-based): chr10:89,015,783, G>T. VCF-style: chr10-89015783-G-T. GRCh37 (hg19) VCF-style: chr10-90775540-G-T.
Other names: c.*1664G>T (NM_001320619.2); c.*1333G>T (NM_152871.4); c.*1653G>T (NM_152872.4).
Identifiers: ClinVar variation 301546 (VCV000301546.5), dbSNP rs9658779, ClinGen allele CA5593305.